The following is an entry in ClinVar:

NM_198253.3(TERT):c.2009C>A (p.Ala670Glu)

Gene: TERT (telomerase reverse transcriptase; minus strand). Cytogenetic location: 5p15.33.
Variant type: single nucleotide variant.
Coding change: c.2009C>A on transcript NM_198253.3 (MANE Select); coding-DNA position 2009, C replaced by A.
Protein change: p.Ala670Glu; replaces alanine 670 with glutamic acid.
Molecular consequence: missense variant. On other transcripts: non-coding transcript variant (2).
Genome position (GRCh38, 1-based): chr5:1,279,412, G>T on the plus strand (C>A on the coding strand, the complement: TERT is on the minus strand). VCF-style: chr5-1279412-G-T. GRCh37 (hg19) VCF-style: chr5-1279527-G-T.
Other names: c.2009C>A, p.Ala670Glu (NM_001193376.3); short protein forms A670E.
Identifiers: ClinVar variation 4561490 (VCV004561490.1).

ClinVar aggregate classification (germline): Uncertain significance (1 of 4 stars; one submission).

Conditions:
Dyskeratosis congenita. Identifiers: Orphanet 1775, MedGen C0265965, MONDO:0015780.

Submission:

Ambry Genetics
Classification: Uncertain significance for Dyskeratosis congenita. Last evaluated: 2025-09-24. Review status: criteria provided, single submitter. Criteria: Ambry Variant Classification Scheme 2023. Collection method: clinical testing. Allele origin: germline.
Comment: The p.A670E variant (also known as c.2009C>A), located in coding exon 5 of the TERT gene, results from a C to A substitution at nucleotide position 2009. The alanine at codon 670 is replaced by glutamic acid, an amino acid with dissimilar properties. This amino acid position is not well conserved in available vertebrate species. In addition, the in silico prediction for this alteration is inconclusive. Based on the available evidence, the clinical significance of this variant remains unclear.